The following is an entry in ClinVar:

ClinVar aggregate classification (germline): Uncertain significance (1 of 4 stars; one submission).

Conditions:
Fanconi anemia (FA). Also called: Fanconi's anemia. Identifiers: Orphanet 84, MedGen C0015625, MeSH D005199, MONDO:0019391.

Allele frequency attached by ClinVar (database versions not stated): gnomAD exomes below 0.00001; gnomAD 0.00001.

Submission:

Labcorp Genetics (formerly Invitae), Labcorp
Classification: Uncertain significance for Fanconi anemia. Last evaluated: 2024-05-21. Review status: criteria provided, single submitter. Criteria: Invitae Variant Classification Sherloc (09022015). Collection method: clinical testing. Allele origin: germline.
Comment: This sequence change replaces arginine, which is basic and polar, with cysteine, which is neutral and slightly polar, at codon 1719 of the FANCM protein (p.Arg1719Cys). This variant is present in population databases (no rsID available, gnomAD 0.006%). This variant has not been reported in the literature in individuals affected with FANCM-related conditions. ClinVar contains an entry for this variant (Variation ID: 855232). An algorithm developed to predict the effect of missense changes on protein structure and function (PolyPhen-2) suggests that this variant is likely to be tolerated. In summary, the available evidence is currently insufficient to determine the role of this variant in disease. Therefore, it has been classified as a Variant of Uncertain Significance.

NM_020937.4(FANCM):c.5155C>T (p.Arg1719Cys)

Gene: FANCM (FA complementation group M; plus strand). Cytogenetic location: 14q21.2.
Variant type: single nucleotide variant.
Coding change: c.5155C>T on transcript NM_020937.4 (MANE Select); coding-DNA position 5155, C replaced by T.
Protein change: p.Arg1719Cys; replaces arginine 1719 with cysteine.
Molecular consequence: missense variant.
Genome position (GRCh38, 1-based): chr14:45,189,177, C>T. VCF-style: chr14-45189177-C-T. GRCh37 (hg19) VCF-style: chr14-45658380-C-T.
Other names: c.5077C>T, p.Arg1693Cys (NM_001308133.2); short protein forms R1719C, R1693C.
Identifiers: ClinVar variation 855232 (VCV000855232.9), dbSNP rs1444402627, ClinGen allele CA389612695.